The following is an entry in ClinVar:

NM_005068.3(SIM1):c.1272T>C (p.Asp424=)

Genes: SIM1 (SIM bHLH transcription factor 1; minus strand), SIM1-AS1 (SIM1 antisense RNA 1; plus strand). Cytogenetic location: 6q16.3.
Variant type: single nucleotide variant.
Coding change: c.1272T>C on transcript NM_005068.3 (MANE Select); coding-DNA position 1272, T replaced by C.
Protein change: p.Asp424=; no amino-acid change (aspartic acid 424 retained).
Molecular consequence: synonymous variant. On other transcripts: non-coding transcript variant (1).
Genome position (GRCh38, 1-based): chr6:100,393,785, A>G on the plus strand (T>C on the coding strand, the complement: SIM1 is on the minus strand). VCF-style: chr6-100393785-A-G. GRCh37 (hg19) VCF-style: chr6-100841661-A-G.
Other names: c.1272T>C, p.Asp424= (NM_001374769.1).
Identifiers: ClinVar variation 3031473 (VCV003031473.2), dbSNP rs139667045, ClinGen allele CA3937056.

ClinVar aggregate classification (germline): Likely benign (0 of 4 stars; one submission).

Conditions:
SIM1-related disorder. Also called: SIM1-related condition; SIM1-related disorders.

Allele frequency attached by ClinVar (database versions not stated): gnomAD 0.00001; ExAC 0.00002; TOPMed 0.00002; gnomAD exomes 0.00003; ESP Exome Variant Server 0.00008.
gnomAD v4.1: 47 of 1,614,000 alleles (0.0029%); highest among the groups gnomAD compares: Middle Eastern, 0.016%; no homozygotes.

Submission:

PreventionGenetics, part of Exact Sciences
Classification: Likely benign for SIM1-related condition. Last evaluated: 2021-05-05. Review status: no assertion criteria provided. Collection method: clinical testing. Allele origin: germline.
Comment: This variant is classified as likely benign based on ACMG/AMP sequence variant interpretation guidelines (Richards et al. 2015 PMID: 25741868, with internal and published modifications).